The following is an entry in ClinVar:

ClinVar aggregate classification (germline): Likely pathogenic (1 of 4 stars; one submission).

Conditions:
Mucopolysaccharidosis type 6 (MPS6). Also called: N-ACETYLGALACTOSAMINE-4-SULFATASE DEFICIENCY; MPS VI; ARSB DEFICIENCY; ARYLSULFATASE B DEFICIENCY; MPS 6; Maroteaux Lamy syndrome. Identifiers: Orphanet 583, MedGen C0026709, MONDO:0009661, OMIM 253200.

Submission:

Natera, Inc.
Classification: Likely pathogenic for Mucopolysaccharidosis type VI. Last evaluated: 2024-02-22. Review status: criteria provided, single submitter. Criteria: Natera Variant Classification Schema (03/2026). Collection method: clinical testing. Allele origin: germline.
Comment: The c.974delG variant in ARSB is a frameshift variant predicted to shift the reading frame beginning at codon 325 and leads to a stop codon 13 codons downstream. This variant is expected to result in nonsense mediated decay, truncation, or a dysfunctional protein product. This variant is rare in the general population with a frequency below the threshold expected for the associated phenotype(s). Given the available evidence, this variant is classified as Likely Pathogenic.

NM_000046.5(ARSB):c.974del (p.Gly325fs)

Gene: ARSB (arylsulfatase B; minus strand). Cytogenetic location: 5q14.1.
Variant type: Deletion.
Coding change: c.974del on transcript NM_000046.5 (MANE Select); coding-DNA position 974, one base deleted (G; older notation c.974delG).
Protein change: p.Gly325fs; shifts the reading frame from glycine 325.
Molecular consequence: frameshift variant.
Genome position (GRCh38, 1-based): chr5:78,885,752, C deleted on the plus strand (G on the coding strand, the reverse complement: ARSB is on the minus strand); the first of 2 consecutive C bases (chr5:78,885,752-78,885,753); deleting either gives the same sequence. VCF-style (leftmost placement, unchanged base first): chr5-78885751-GC-G. GRCh37 (hg19) VCF-style: chr5-78181574-GC-G.
Other names: c.974del, p.Gly325fs (NM_198709.3); short protein forms G325fs.
Identifiers: ClinVar variation 4818252 (VCV004818252.1).